The following is an entry in ClinVar:

ClinVar aggregate classification (germline): Pathogenic. Review status: criteria provided, multiple submitters, no conflicts (2 of 4 stars). 2 submissions from 2 submitters: Pathogenic (2). Last evaluated 2025-12-30.

Conditions:
Joubert syndrome 30. Identifiers: MedGen C4539937, MONDO:0033308, OMIM 617622.

Allele frequency attached by ClinVar (database versions not stated): TOPMed below 0.00001.

Submissions (2):

Department of Molecular Genetics, Istishari Arab Hospital
Classification: Pathogenic for Joubert syndrome 30. Last evaluated: 2025-12-30. Review status: criteria provided, single submitter. Criteria: ACMG Guidelines, 2015. Collection method: clinical testing. Allele origin: germline. Inheritance: Autosomal recessive inheritance. Affected: yes.
Comment: The ARMC9 variant c.1423dup, p.Thr475Asnfs*40 creates a shift in the reading frame at position 475, introducing a premature stop codon 40 amino acids downstream. This is predicted to result in a loss or disruption of normal protein function through non-sense mediated decay (NMD) or protein truncation. This variant is observed with very low frequency (<0.001) in the gnomAD v4.1.0 dataset. This variant has previously been reported in patients with Joubert Syndrome (PMID: 28625504). It is classified as pathogenic according to the recommendations of ACMG/AMP/ClinGen SVI guidelines.

Labcorp Genetics (formerly Invitae), Labcorp
Classification: Pathogenic. Last evaluated: 2022-04-15. Review status: criteria provided, single submitter. Criteria: Invitae Variant Classification Sherloc (09022015). Collection method: clinical testing. Allele origin: germline.
Comment: This sequence change creates a premature translational stop signal (p.Thr475Asnfs*40) in the ARMC9 gene. It is expected to result in an absent or disrupted protein product. Loss-of-function variants in ARMC9 are known to be pathogenic (PMID: 28625504). This variant is not present in population databases (gnomAD no frequency). This variant has not been reported in the literature in individuals affected with ARMC9-related conditions. Experimental studies and prediction algorithms are not available or were not evaluated, and the functional significance of this variant is currently unknown. For these reasons, this variant has been classified as Pathogenic.

Literature cited by the submitters: PubMed 28625504 (cited by Department of Molecular Genetics, Istishari Arab Hospital and Labcorp Genetics (formerly Invitae), Labcorp).

NM_001352754.2(ARMC9):c.1423dup (p.Thr475fs)

Gene: ARMC9 (armadillo repeat containing 9; plus strand). Cytogenetic location: 2q37.1.
Variant type: Duplication.
Coding change: c.1423dup on transcript NM_001352754.2 (MANE Select); coding-DNA position 1423, one base duplicated (A; older notation c.1423dupA).
Protein change: p.Thr475fs; shifts the reading frame from threonine 475.
Molecular consequence: frameshift variant. On other transcripts: non-coding transcript variant (1).
Genome position (GRCh38, 1-based): chr2:231,276,724, A duplicated. VCF-style (leftmost placement, unchanged base first): chr2-231276723-C-CA. GRCh37 (hg19) VCF-style: chr2-232141436-C-CA.
Other names: p.Thr475Asnfs*40; c.1423dup, p.Thr475fs (NM_001271466.4, NM_001291656.2, NM_001352755.2 and 3 more transcripts); c.1324dup, p.Thr442fs (NM_001352757.2, NM_001352758.2); short protein forms T442fs, T475fs.
Identifiers: ClinVar variation 1909040 (VCV001909040.6), dbSNP rs1331571804, ClinGen allele CA766035189.
Genomic context (GRCh38, chr2:231,276,723, plus strand): 5'-AGACGGCCTCATCTTCTGGCTGGTTGATGTTCTGAAGGACCCTGACTGCCTGTCTGACTA[C>CA]ACGCTGGAGTACTCGGTGGCTTTGCTCATGAACCTCTGCCTCCGCAGCACAGGTCTCAGC-3'